The following is an entry in ClinVar:

ClinVar aggregate classification (germline): Uncertain significance (1 of 4 stars; one submission).

Conditions:
Inborn genetic diseases. Identifiers: MedGen C0950123, MeSH D030342.

Submission:

Ambry Genetics
Classification: Uncertain significance for Inborn genetic diseases. Last evaluated: 2024-12-30. Review status: criteria provided, single submitter. Criteria: Ambry Variant Classification Scheme 2023. Collection method: clinical testing. Allele origin: germline.
Comment: The c.437A>G (p.Y146C) alteration is located in exon 4 (coding exon 4) of the SAMHD1 gene. This alteration results from an A to G substitution at nucleotide position 437, causing the tyrosine (Y) at amino acid position 146 to be replaced by a cysteine (C). This variant was not reported in population-based cohorts in the Genome Aggregation Database (gnomAD). This variant has been identified in the homozygous state and/or in conjunction with other SAMHD1 variant(s) in individual(s) with features consistent with SAMHD1-related Aicardi-Goutieres syndrome; in at least one instance, the variants were identified in trans (Nomakuchi, 2024). This amino acid position is not well conserved in available vertebrate species. This alteration is predicted to be deleterious by in silico analysis. Based on insufficient or conflicting evidence, the clinical significance of this alteration remains unclear.

Literature cited by the submitters: PubMed 39031459.

NM_015474.4(SAMHD1):c.437A>G (p.Tyr146Cys)

Gene: SAMHD1 (SAM and HD domain containing deoxynucleoside triphosphate triphosphohydrolase 1; minus strand). Cytogenetic location: 20q11.23.
Variant type: single nucleotide variant.
Coding change: c.437A>G on transcript NM_015474.4 (MANE Select); coding-DNA position 437, A replaced by G.
Protein change: p.Tyr146Cys; replaces tyrosine 146 with cysteine.
Molecular consequence: missense variant.
Genome position (GRCh38, 1-based): chr20:36,935,101, T>C on the plus strand (A>G on the coding strand, the complement: SAMHD1 is on the minus strand). VCF-style: chr20-36935101-T-C. GRCh37 (hg19) VCF-style: chr20-35563504-T-C.
Other names: c.437A>G, p.Tyr146Cys (NM_001363729.2, NM_001363733.2); short protein forms Y146C.
Identifiers: ClinVar variation 3792523 (VCV003792523.1).